The following is an entry in ClinVar:

ClinVar aggregate classification (germline): Uncertain significance. Review status: criteria provided, multiple submitters, no conflicts (2 of 4 stars). 2 submissions from 2 submitters: Uncertain significance (2). Last evaluated 2026-07-01.

Conditions:
Glycogen storage disease, type II (IOPD). Also called: Glycogen storage disease type 2; Acid maltase deficiency disease; Aglucosidase alfa; Deficiency of alpha-glucosidase; Deficiency of lysosomal alpha-glucosidase; POMPE DISEASE, INFANTILE-ONSET. Identifiers: Orphanet 365, MedGen C0017921, MONDO:0009290, OMIM 232300.

gnomAD v4.1: 1 of 1,610,640 alleles (0.000062%); highest among the groups gnomAD compares: Admixed American, 0.0017%; no homozygotes.

Submissions (2):

Genomenon, Inc
Classification: Uncertain significance for Glycogen storage disease, type II. Last evaluated: 2026-07-01. Review status: criteria provided, single submitter. Criteria: Genomenon Sequence Variant Interpretation Standards - Updated. Collection method: curation. Allele origin: germline. Affected: no.
Comment: GAA p.Gly651Asp (c.1952G>A) is a missense variant that changes the amino acid at codon 651 from Glycine to Aspartic acid. This variant has been reported in the published literature (PMID:37035729). It is absent or not present at a significant frequency in gnomAD. In silico models predict that this variant is possibly or probably damaging. In conclusion, we classify GAA p.Gly651Asp (c.1952G>A) as a variant of uncertain significance.

Labcorp Genetics (formerly Invitae), Labcorp
Classification: Uncertain significance for Glycogen storage disease, type II. Last evaluated: 2022-06-08. Review status: criteria provided, single submitter. Criteria: Invitae Variant Classification Sherloc (09022015). Collection method: clinical testing. Allele origin: germline.
Comment: This sequence change replaces glycine, which is neutral and non-polar, with aspartic acid, which is acidic and polar, at codon 651 of the GAA protein (p.Gly651Asp). This variant is not present in population databases (gnomAD no frequency). This variant has not been reported in the literature in individuals affected with GAA-related conditions. ClinVar contains an entry for this variant (Variation ID: 849535). Advanced modeling of protein sequence and biophysical properties (such as structural, functional, and spatial information, amino acid conservation, physicochemical variation, residue mobility, and thermodynamic stability) performed at Invitae indicates that this missense variant is expected to disrupt GAA protein function. In summary, the available evidence is currently insufficient to determine the role of this variant in disease. Therefore, it has been classified as a Variant of Uncertain Significance.

Literature cited by the submitters: PubMed 37035729 (cited by Genomenon, Inc).

NM_000152.5(GAA):c.1952G>A (p.Gly651Asp)

Gene: GAA (alpha glucosidase; plus strand). Cytogenetic location: 17q25.3.
Variant type: single nucleotide variant.
Coding change: c.1952G>A on transcript NM_000152.5 (MANE Select); coding-DNA position 1952, G replaced by A.
Protein change: p.Gly651Asp; replaces glycine 651 with aspartic acid.
Molecular consequence: missense variant.
Genome position (GRCh38, 1-based): chr17:80,112,939, G>A. VCF-style: chr17-80112939-G-A. GRCh37 (hg19) VCF-style: chr17-78086738-G-A.
Other names: c.1952G>A, p.Gly651Asp (NM_001079803.3, NM_001079804.3); short protein forms G651D.
Identifiers: ClinVar variation 849535 (VCV000849535.8), dbSNP rs939350425, ClinGen allele CA294896886.
Genomic context (GRCh38, chr17:80,112,939, plus strand): 5'-TCCTGCAGTTTAACCTGCTGGGGGTGCCTCTGGTCGGGGCCGACGTCTGCGGCTTCCTGG[G>A]CAACACCTCAGAGGAGCTGTGTGTGCGCTGGACCCAGCTGGGGGCCTTCTACCCCTTCAT-3'
Protein context (NP_000143.2, residues 641-661): LVGADVCGFL[Gly651Asp]NTSEELCVRW